The following is an entry in ClinVar:

ClinVar aggregate classification (germline): Uncertain significance (1 of 4 stars; one submission).

Conditions:
Hereditary cancer-predisposing syndrome. Also called: Neoplastic Syndromes, Hereditary; Tumor predisposition; Hereditary neoplastic syndrome; Hereditary Cancer Syndrome. Identifiers: Orphanet 140162, MedGen C0027672, MeSH D009386, MONDO:0015356.

Submission:

Ambry Genetics
Classification: Uncertain significance for Hereditary cancer-predisposing syndrome. Last evaluated: 2026-08-26. Review status: criteria provided, single submitter. Criteria: Ambry Variant Classification Scheme 2023. Collection method: clinical testing. Allele origin: germline.
Comment: The p.A294S variant (also known as c.880G>T), located in coding exon 7 of the SMARCB1 gene, results from a G to T substitution at nucleotide position 880. The alanine at codon 294 is replaced by serine, an amino acid with similar properties. This amino acid position is highly conserved in available vertebrate species. In addition, this alteration is predicted to be deleterious by in silico analysis. Based on the available evidence, the clinical significance of this variant remains unclear.

NM_003073.5(SMARCB1):c.880G>T (p.Ala294Ser)

Gene: SMARCB1 (SWI/SNF related BAF chromatin remodeling complex subunit B1; plus strand). Cytogenetic location: 22q11.23.
Variant type: single nucleotide variant.
Coding change: c.880G>T on transcript NM_003073.5 (MANE Select); coding-DNA position 880, G replaced by T.
Protein change: p.Ala294Ser; replaces alanine 294 with serine.
Molecular consequence: missense variant.
Genome position (GRCh38, 1-based): chr22:23,825,309, G>T. VCF-style: chr22-23825309-G-T. GRCh37 (hg19) VCF-style: chr22-24167496-G-T.
Other names: c.853G>T, p.Ala285Ser (NM_001007468.3); c.907G>T, p.Ala303Ser (NM_001317946.2); c.934G>T, p.Ala312Ser (NM_001362877.2); short protein forms A303S, A294S, A285S, A312S.
Identifiers: ClinVar variation 5029918 (VCV005029918.1).